The following is an entry in ClinVar:

ClinVar aggregate classification (germline): Likely benign. Review status: criteria provided, multiple submitters, no conflicts (2 of 4 stars). 2 submissions from 2 submitters: Likely benign (2). Last evaluated 2024-10-01.

Allele frequency attached by ClinVar (database versions not stated): ExAC 0.00001; gnomAD exomes 0.00002 and 0.00017; gnomAD 0.00007 and 0.00008; TOPMed 0.00010; ESP Exome Variant Server 0.00015.
gnomAD v4.1: 242 of 1,548,748 alleles (0.016%); highest among the groups gnomAD compares: Non-Finnish European, 0.02%; no homozygotes.

Submissions (2):

CeGaT Center for Human Genetics Tuebingen
Classification: Likely benign. Last evaluated: 2024-10-01. Review status: criteria provided, single submitter. Criteria: CeGaT Center For Human Genetics Tuebingen Variant Classification Criteria Version 2. Collection method: clinical testing. Allele origin: germline. Affected: yes. Observed: 2 variant alleles.
Comment: IL6: BP4, BP7

Labcorp Genetics (formerly Invitae), Labcorp
Classification: Likely benign. Last evaluated: 2018-05-21. Review status: criteria provided, single submitter. Criteria: Invitae Variant Classification Sherloc (09022015). Collection method: clinical testing. Allele origin: germline.

NM_000600.5(IL6):c.195A>C (p.Ser65=)

Genes: IL6 (interleukin 6; plus strand), IL6-AS1 (IL6 antisense RNA 1; minus strand), LOC126859963 (BRD4-independent group 4 enhancer GRCh37_chr7:22766269-22767468; plus strand). Cytogenetic location: 7p15.3.
Variant type: single nucleotide variant.
Coding change: c.195A>C on transcript NM_000600.5 (MANE Select); coding-DNA position 195, A replaced by C.
Protein change: p.Ser65=; no amino-acid change (serine 65 retained).
Molecular consequence: synonymous variant. On other transcripts: non-coding transcript variant (1), intron variant (1).
Genome position (GRCh38, 1-based): chr7:22,727,619, A>C. VCF-style: chr7-22727619-A-C. GRCh37 (hg19) VCF-style: chr7-22767238-A-C.
Other names: c.126A>C, p.Ser42= (NM_001371096.1); c.-19+338A>C (NM_001318095.2).
Identifiers: ClinVar variation 708101 (VCV000708101.27), dbSNP rs201410817, ClinGen allele CA4185330.